The following is an entry in ClinVar:

ClinVar aggregate classification (germline): Uncertain significance (1 of 4 stars; one submission).

Conditions:
Premature ovarian failure 9 (POF9). Identifiers: MedGen C3810376, MONDO:0014322, OMIM 615724.

gnomAD v4.1: 6 of 1,610,442 alleles (0.00037%); highest among the groups gnomAD compares: Non-Finnish European, 0.00051%; no homozygotes.

Submission:

Juno Genomics, Hangzhou Juno Genomics, Inc
Classification: Uncertain significance for Premature ovarian failure 9. Review status: criteria provided, single submitter. Criteria: ACMG Guidelines, 2015. Collection method: clinical testing. Allele origin: germline.
Comment: Absent from controls (or at extremely low frequency if recessive) in Genome Aggregation Database.;For recessive disorders, detected in trans with a pathogenic variant.

NM_001017975.6(HFM1):c.3100G>A (p.Gly1034Ser)

Gene: HFM1 (helicase for meiosis 1; minus strand). Cytogenetic location: 1p22.2.
Variant type: single nucleotide variant.
Coding change: c.3100G>A on transcript NM_001017975.6 (MANE Select); coding-DNA position 3100, G replaced by A.
Protein change: p.Gly1034Ser; replaces glycine 1034 with serine.
Molecular consequence: missense variant. On other transcripts: non-coding transcript variant (1).
Genome position (GRCh38, 1-based): chr1:91,315,855, C>T on the plus strand (G>A on the coding strand, the complement: HFM1 is on the minus strand). VCF-style: chr1-91315855-C-T. GRCh37 (hg19) VCF-style: chr1-91781412-C-T.
Other names: short protein forms G1034S.
Identifiers: ClinVar variation 5007172 (VCV005007172.2).